The following is an entry in ClinVar:

ClinVar aggregate classification (germline): Uncertain significance. Review status: criteria provided, single submitter (1 of 4 stars). 2 submissions from 2 submitters: Uncertain significance (1). 1 of the submissions does not count toward it. Last evaluated 2022-04-16.

Conditions:
Self-limited epilepsy with centrotemporal spikes. Also called: Childhood epilepsy with centrotemporal spikes; Rolandic epilepsy. Identifiers: Orphanet 1945, MedGen C0376532, MONDO:0007295.

Allele frequency attached by ClinVar (database versions not stated): gnomAD exomes below 0.00001.
gnomAD v4.1: 1 of 1,613,742 alleles (0.000062%); highest among the groups gnomAD compares: Non-Finnish European, 0.000085%; no homozygotes.

Submissions (2):

Labcorp Genetics (formerly Invitae), Labcorp
Classification: Uncertain significance. Last evaluated: 2022-04-16. Review status: criteria provided, single submitter. Criteria: Invitae Variant Classification Sherloc (09022015). Collection method: clinical testing. Allele origin: germline.
Comment: This variant is not present in population databases (gnomAD no frequency). This missense change has been observed in individual(s) with clinical features of SZT2-related conditions (PMID: 29358611). ClinVar contains an entry for this variant (Variation ID: 433095). Algorithms developed to predict the effect of missense changes on protein structure and function (SIFT, PolyPhen-2, Align-GVGD) all suggest that this variant is likely to be disruptive. In summary, the available evidence is currently insufficient to determine the role of this variant in disease. Therefore, it has been classified as a Variant of Uncertain Significance. This sequence change replaces arginine, which is basic and polar, with tryptophan, which is neutral and slightly polar, at codon 2878 of the SZT2 protein (p.Arg2878Trp).

Bioinformatics Core, Luxembourg Center for Systems Biomedicine
Classification: Pathogenic for Self-limited epilepsy with centrotemporal spikes. Last evaluated: 2017-01-01. Review status: no assertion criteria provided. Collection method: case-control. Allele origin: germline. Affected: yes. Study: EUROEPINOMICS COGIE. Not counted in ClinVar's aggregate classification.

Literature cited by the submitters: PubMed 29358611 (cited by Labcorp Genetics (formerly Invitae), Labcorp and Bioinformatics Core, Luxembourg Center for Systems Biomedicine).

NM_001365999.1(SZT2):c.8803C>T (p.Arg2935Trp)

Gene: SZT2 (SZT2 subunit of KICSTOR complex; plus strand). Cytogenetic location: 1p34.2.
Variant type: single nucleotide variant.
Coding change: c.8803C>T on transcript NM_001365999.1 (MANE Select); coding-DNA position 8803, C replaced by T.
Protein change: p.Arg2935Trp; replaces arginine 2935 with tryptophan.
Molecular consequence: missense variant.
Genome position (GRCh38, 1-based): chr1:43,443,774, C>T. VCF-style: chr1-43443774-C-T. GRCh37 (hg19) VCF-style: chr1-43909445-C-T.
Other names: c.8632C>T, p.Arg2878Trp (NM_015284.4); short protein forms R2878W, R2935W.
Identifiers: ClinVar variation 433095 (VCV000433095.5), dbSNP rs1553154643, ClinGen allele CA340040498.